The following is an entry in ClinVar:

ClinVar aggregate classification (germline): Likely pathogenic (1 of 4 stars; one submission).

Conditions:
Dilated cardiomyopathy 1G (CMD1G). Identifiers: Orphanet 154, MedGen C1858763, MONDO:0011400, OMIM 604145.
Autosomal recessive limb-girdle muscular dystrophy type 2J (LGMDR10). Also called: Limb-girdle muscular dystrophy, type 2J; MUSCULAR DYSTROPHY, LIMB-GIRDLE, AUTOSOMAL RECESSIVE 10. Identifiers: Orphanet 140922, MedGen C1837342, MONDO:0012127, OMIM 608807.

gnomAD v4.1: 2 of 1,605,124 alleles (0.00012%); highest among the groups gnomAD compares: Non-Finnish European, 0.00017%; no homozygotes.

Submission:

Labcorp Genetics (formerly Invitae), Labcorp
Classification: Likely pathogenic for Dilated cardiomyopathy 1G; Autosomal recessive limb-girdle muscular dystrophy type 2J. Last evaluated: 2024-09-11. Review status: criteria provided, single submitter. Criteria: Invitae Variant Classification Sherloc (09022015). Collection method: clinical testing. Allele origin: germline.
Comment: This sequence change affects an acceptor splice site in intron 249 of the TTN gene. It is expected to disrupt RNA splicing and likely results in a truncated or disrupted TTN protein. This variant is not present in population databases (gnomAD no frequency). This variant has not been observed in the literature in individuals with autosomal recessive TTN-related conditions. This variant has been reported in individual(s) with dilated cardiomyopathy (internal data); however, the role of the variant in this condition is currently unclear. Algorithms developed to predict the effect of sequence changes on RNA splicing suggest that this variant may disrupt the consensus splice site. This variant is located in the I band of TTN (PMID: 25589632). Truncating variants in this region have been reported in individuals affected with autosomal recessive centronuclear myopathy (PMID: 23975875, internal data). Truncating variants in this region have also been identified in individuals affected with autosomal dominant dilated cardiomyopathy and/or cardio-related conditions (PMID: 27869827, 32964742, internal data). In summary, the currently available evidence indicates that the variant is pathogenic, but additional data are needed to prove that conclusively. Therefore, this variant has been classified as Likely Pathogenic.

Literature cited by the submitters: PubMed 25589632; PubMed 23975875; PubMed 27869827; PubMed 32964742.

NM_001267550.2(TTN):c.46430-1G>C

Genes: TTN (titin; minus strand), TTN-AS1 (TTN antisense RNA 1; plus strand). Cytogenetic location: 2q31.2.
Variant type: single nucleotide variant.
Coding change: c.46430-1G>C on transcript NM_001267550.2 (MANE Select); the canonical splice acceptor site of the intron before coding-DNA position 46430, G replaced by C.
Molecular consequence: splice acceptor variant. On other transcripts: non-coding transcript variant (1).
Genome position (GRCh38, 1-based): chr2:178,619,888, C>G on the plus strand (G>C on the coding strand, the complement: TTN is on the minus strand). VCF-style: chr2-178619888-C-G. GRCh37 (hg19) VCF-style: chr2-179484615-C-G.
Other names: c.19235-1G>C (NM_003319.4); c.19811-1G>C (NM_133437.4); c.19610-1G>C (NM_133432.3); c.38726-1G>C (NM_133378.4); c.41507-1G>C (NM_001256850.1).
Identifiers: ClinVar variation 3758600 (VCV003758600.2).